The following is an entry in ClinVar:

ClinVar aggregate classification (germline): Likely pathogenic. Review status: criteria provided, single submitter (1 of 4 stars). 2 submissions from 2 submitters: Likely pathogenic (1). 1 of the submissions does not count toward it. Last evaluated 2026-01-11.

Conditions:
Cohen-Gibson syndrome (COGIS). Also called: EED-Related Overgrowth. Identifiers: Orphanet 659396, MedGen C4479654, MONDO:0060510, OMIM 617561.

Submissions (2):

Labcorp Genetics (formerly Invitae), Labcorp
Classification: Likely pathogenic for Cohen-Gibson syndrome. Last evaluated: 2026-01-11. Review status: criteria provided, single submitter. Criteria: Invitae Variant Classification Sherloc (09022015). Collection method: clinical testing. Allele origin: germline.
Comment: This sequence change replaces arginine, which is basic and polar, with serine, which is neutral and polar, at codon 302 of the EED protein (p.Arg302Ser). This variant is not present in population databases (gnomAD no frequency). This missense change has been observed in individual(s) with Weaver-like syndrome (PMID: 25787343). In at least one individual the variant was observed to be de novo. ClinVar contains an entry for this variant (Variation ID: 430643). Invitae Evidence Modeling of protein sequence and biophysical properties (such as structural, functional, and spatial information, amino acid conservation, physicochemical variation, residue mobility, and thermodynamic stability) has been performed for this missense variant. However, the output from this modeling did not meet the statistical confidence thresholds required to predict the impact of this variant on EED protein function. Experimental studies have shown that this missense change affects EED function (PMID: 28229514). This variant disrupts the p.Arg302 amino acid residue in EED. Other variant(s) that disrupt this residue have been observed in individuals with EED-related conditions (PMID: 25787343, 27868325), which suggests that this may be a clinically significant amino acid residue. In summary, the currently available evidence indicates that the variant is pathogenic, but additional data are needed to prove that conclusively. Therefore, this variant has been classified as Likely Pathogenic.

OMIM
Classification: Pathogenic for COHEN-GIBSON SYNDROME. Last evaluated: 2017-07-17. Review status: no assertion criteria provided. Collection method: literature only. Allele origin: germline. Not counted in ClinVar's aggregate classification.

Literature cited by the submitters: PubMed 25787343 (cited by Labcorp Genetics (formerly Invitae), Labcorp); PubMed 28229514 (cited by Labcorp Genetics (formerly Invitae), Labcorp and OMIM); PubMed 27868325 (cited by Labcorp Genetics (formerly Invitae), Labcorp); PubMed 28119537 (cited by OMIM); Gibson, W. T. Personal Communication. 2017. Vancouver, British Columbia, Canada (cited by OMIM).

NM_003797.5(EED):c.906A>C (p.Arg302Ser)

Gene: EED (embryonic ectoderm development; plus strand). Cytogenetic location: 11q14.2.
Variant type: single nucleotide variant.
Coding change: c.906A>C on transcript NM_003797.5 (MANE Select); coding-DNA position 906, A replaced by C.
Protein change: p.Arg302Ser; replaces arginine 302 with serine.
Molecular consequence: missense variant. On other transcripts: intron variant (1).
Genome position (GRCh38, 1-based): chr11:86,268,501, A>C. VCF-style: chr11-86268501-A-C. GRCh37 (hg19) VCF-style: chr11-85979543-A-C.
Other names: c.906A>C, p.Arg302Ser (NM_001308007.2); c.726+4238A>C (NM_001330334.2); short protein forms R302S.
Identifiers: ClinVar variation 430643 (VCV000430643.3), dbSNP rs1131692173, ClinGen allele CA382005030.